The following is an entry in ClinVar:

NC_000011.10:g.77162854del

Gene: MYO7A (myosin VIIA; plus strand). Cytogenetic location: 11q13.5.
Variant type: Deletion.
Genome position: GRCh38 VCF-style: chr11-77162851-AG-A. GRCh37 (hg19) VCF-style: chr11-76873897-AG-A.
Other names: p.Gly519fs.
Identifiers: ClinVar variation 43152 (VCV000043152.7), dbSNP rs606231379, ClinGen allele CA278630.

ClinVar aggregate classification (germline): Pathogenic (1 of 4 stars; one submission).

Conditions:
Rare genetic deafness. Identifiers: Orphanet 96210, MedGen C5680250.

Submission:

Laboratory for Molecular Medicine, Mass General Brigham Personalized Medicine
Classification: Pathogenic for Rare genetic deafness. Last evaluated: 2010-04-08. Review status: criteria provided, single submitter. Criteria: LMM Criteria. Collection method: clinical testing. Allele origin: germline. Observed: 3 variant alleles.
Comment: The Gly519fs variant has not been reported in the literature nor previously iden tified by our laboratory. However, this variant is predicted to cause a frameshi ft, which alters the protein's amino acid sequence beginning at codon 519 and le ads to a premature stop codon 10 codons downstream. This alteration is then pred icted to lead to a truncated or absent protein. In summary, this variant is high ly likely to be pathogenic.